The following is an entry in ClinVar:

NM_000465.4(BARD1):c.1194A>G (p.Thr398=)

Gene: BARD1 (BRCA1 associated RING domain 1; minus strand). Cytogenetic location: 2q35.
Variant type: single nucleotide variant.
Coding change: c.1194A>G on transcript NM_000465.4 (MANE Select); coding-DNA position 1194, A replaced by G.
Protein change: p.Thr398=; no amino-acid change (threonine 398 retained).
Molecular consequence: synonymous variant. On other transcripts: non-coding transcript variant (2), intron variant (3).
Genome position (GRCh38, 1-based): chr2:214,780,680, T>C on the plus strand (A>G on the coding strand, the complement: BARD1 is on the minus strand). VCF-style: chr2-214780680-T-C. GRCh37 (hg19) VCF-style: chr2-215645404-T-C.
Other names: c.1137A>G, p.Thr379= (NM_001282543.2); c.159-28125A>G (NM_001282548.2); c.215+16381A>G (NM_001282545.2); c.364+11617A>G (NM_001282549.2).
Identifiers: ClinVar variation 186845 (VCV000186845.60), dbSNP rs781482219, ClinGen allele CA196030.

ClinVar aggregate classification (germline): Benign/Likely benign. Review status: criteria provided, multiple submitters, no conflicts (2 of 4 stars). 9 submissions from 9 submitters: Benign (1); Likely benign (8). Last evaluated 2026-02-04.

Conditions:
Hereditary cancer-predisposing syndrome. Also called: Tumor predisposition; Neoplastic Syndromes, Hereditary; Hereditary Cancer Syndrome; Hereditary neoplastic syndrome. Identifiers: Orphanet 140162, MedGen C0027672, MeSH D009386, MONDO:0015356.
Familial cancer of breast. Also called: hereditary breast carcinoma; BREAST CANCER, FAMILIAL; Hereditary breast cancer. Identifiers: Orphanet 227535, MedGen C0346153, MONDO:0016419, OMIM 114480. Disease mechanism: loss of function.

Allele frequency attached by ClinVar (database versions not stated): TOPMed 0.00003; ExAC 0.00001; gnomAD 0.00002; gnomAD exomes 0.00002 and 0.00003.
gnomAD v4.1: 40 of 1,614,022 alleles (0.0025%); highest among the groups gnomAD compares: African/African-American, 0.004%; no homozygotes.

Submissions (9):

Labcorp Genetics (formerly Invitae), Labcorp
Classification: Likely benign for Familial cancer of breast. Last evaluated: 2026-02-04. Review status: criteria provided, single submitter. Criteria: Invitae Variant Classification Sherloc (09022015). Collection method: clinical testing. Allele origin: germline.

Center for Genomic Medicine, Rigshospitalet, Copenhagen University Hospital
Classification: Likely benign. Last evaluated: 2025-03-04. Review status: criteria provided, single submitter. Criteria: ACMG Guidelines, 2015. Collection method: clinical testing. Allele origin: germline.

Myriad Genetics, Inc.
Classification: Benign for Familial cancer of breast. Last evaluated: 2024-07-24. Review status: criteria provided, single submitter. Criteria: Myriad Autosomal Dominant, Autosomal Recessive and X-Linked Classification Criteria (2023). Collection method: clinical testing. Allele origin: unknown.
Comment: This variant is considered benign. This variant is a silent/synonymous amino acid change and it is not expected to impact splicing.

CeGaT Center for Human Genetics Tuebingen
Classification: Likely benign. Last evaluated: 2024-04-01. Review status: criteria provided, single submitter. Criteria: CeGaT Center For Human Genetics Tuebingen Variant Classification Criteria Version 2. Collection method: clinical testing. Allele origin: germline. Affected: yes. Observed: 2 variant alleles.
Comment: BARD1: BP4, BP7

Quest Diagnostics Nichols Institute San Juan Capistrano
Classification: Likely benign. Last evaluated: 2023-09-16. Review status: criteria provided, single submitter. Criteria: Quest Diagnostics criteria. Collection method: clinical testing. Allele origin: unknown.

Sema4
Classification: Likely benign for Hereditary cancer-predisposing syndrome. Last evaluated: 2021-03-29. Review status: criteria provided, single submitter. Criteria: Sema4 Curation Guidelines. Collection method: curation. Allele origin: germline.

GeneDx
Classification: Likely benign. Last evaluated: 2018-05-04. Review status: criteria provided, single submitter. Criteria: GeneDx Variant Classification Process June 2021. Collection method: clinical testing. Allele origin: germline. Affected: yes.

Color Diagnostics, LLC DBA Color Health
Classification: Likely benign for Hereditary cancer-predisposing syndrome. Last evaluated: 2017-07-28. Review status: criteria provided, single submitter. Criteria: ACMG Guidelines, 2015. Collection method: clinical testing. Allele origin: germline.

Ambry Genetics
Classification: Likely benign for Hereditary cancer-predisposing syndrome. Last evaluated: 2014-10-23. Review status: criteria provided, single submitter. Criteria: Ambry Variant Classification Scheme 2023. Collection method: clinical testing. Allele origin: germline.